The following is an entry in ClinVar:

ClinVar aggregate classification (germline): Uncertain significance (1 of 4 stars; one submission).

Conditions:
Mucopolysaccharidosis, MPS-III-B (MPS3B). Also called: MPS IIIB (Sanfilippo Syndrome Type B); MUCOPOLYSACCHARIDOSIS, TYPE IIIB; Mucopolysaccharidosis type IIIB (Sanfilippo B); N-ACETYL-ALPHA-D-GLUCOSAMINIDASE DEFICIENCY; NAGLU DEFICIENCY; SANFILIPPO SYNDROME B. Identifiers: Orphanet 79270, MedGen C0086648, MONDO:0009656, OMIM 252920.

Allele frequency attached by ClinVar (database versions not stated): TOPMed below 0.00001.
gnomAD v4.1: 1 of 1,613,580 alleles (0.000062%); highest among the groups gnomAD compares: Admixed American, 0.0017%; no homozygotes.

Submission:

Baylor Genetics
Classification: Uncertain significance for Mucopolysaccharidosis, MPS-III-B. Last evaluated: 2019-11-24. Review status: criteria provided, single submitter. Criteria: ACMG Guidelines, 2015. Collection method: clinical testing. Allele origin: unknown. Affected: yes.
Comment: This variant was determined to be of uncertain significance according to ACMG Guidelines, 2015 [PMID:25741868].

NM_000263.4(NAGLU):c.1314G>C (p.Met438Ile)

Gene: NAGLU (N-acetyl-alpha-glucosaminidase; plus strand). Cytogenetic location: 17q21.2.
Variant type: single nucleotide variant.
Coding change: c.1314G>C on transcript NM_000263.4 (MANE Select); coding-DNA position 1314, G replaced by C.
Protein change: p.Met438Ile; replaces methionine 438 with isoleucine.
Molecular consequence: missense variant.
Genome position (GRCh38, 1-based): chr17:42,543,320, G>C. VCF-style: chr17-42543320-G-C. GRCh37 (hg19) VCF-style: chr17-40695338-G-C.
Other names: short protein forms M438I.
Identifiers: ClinVar variation 1029748 (VCV001029748.1), dbSNP rs886493431, ClinGen allele CA290780327.